The following is an entry in ClinVar:

ClinVar aggregate classification (germline): Likely benign (0 of 4 stars; one submission).

Conditions:
PLXNA4-related disorder. Also called: PLXNA4-related condition.

Submission:

PreventionGenetics, part of Exact Sciences
Classification: Likely benign for PLXNA4-related condition. Last evaluated: 2021-08-03. Review status: no assertion criteria provided. Collection method: clinical testing. Allele origin: germline.
Comment: This variant is classified as likely benign based on ACMG/AMP sequence variant interpretation guidelines (Richards et al. 2015 PMID: 25741868, with internal and published modifications).

NM_020911.2(PLXNA4):c.2067C>A (p.Ser689=)

Gene: PLXNA4 (plexin A4; minus strand). Cytogenetic location: 7q32.3.
Variant type: single nucleotide variant.
Coding change: c.2067C>A on transcript NM_020911.2 (MANE Select); coding-DNA position 2067, C replaced by A.
Protein change: p.Ser689=; no amino-acid change (serine 689 retained).
Molecular consequence: synonymous variant.
Genome position (GRCh38, 1-based): chr7:132,223,557, G>T on the plus strand (C>A on the coding strand, the complement: PLXNA4 is on the minus strand). VCF-style: chr7-132223557-G-T. GRCh37 (hg19) VCF-style: chr7-131908316-G-T.
Other names: c.2067C>A, p.Ser689= (NM_001393897.1).
Identifiers: ClinVar variation 3357914 (VCV003357914.1).